The following is an entry in ClinVar:

ClinVar aggregate classification (germline): Conflicting classifications of pathogenicity. Review status: criteria provided, conflicting classifications (1 of 4 stars). 3 submissions from 3 submitters: Uncertain significance (1); Likely benign (2). Last evaluated 2026-01-27.

Conditions:
Cardiovascular phenotype. Identifiers: MedGen CN230736.
Hypercholesterolemia, autosomal dominant, type B (FHCL2). Also called: APOB-Related Familial Hypercholesterolemia, Autosomal Dominant; Hyperlipoproteinemia Type IIb; Familial Hypercholesterolemia Type B; APOLIPOPROTEIN B-100, FAMILIAL DEFECTIVE; APOLIPOPROTEIN B-100, FAMILIAL LIGAND-DEFECTIVE; Familial hypercholesterolemia 2. Identifiers: MedGen C1704417, MONDO:0007751, OMIM 144010.
Familial hypobetalipoproteinemia 1. Also called: APOB-Related Familial Hypobetalipoproteinemia; Hypobetalipoproteinemia, normotriglyceridemic; Acanthocytosis with hypobetalipoproteinemia. Identifiers: MedGen C4551990, MONDO:0014252, OMIM 615558.

Allele frequency attached by ClinVar (database versions not stated): TOPMed 0.00001; gnomAD 0.00002.

Submissions (3):

Labcorp Genetics (formerly Invitae), Labcorp
Classification: Likely benign for Familial hypobetalipoproteinemia 1; Hypercholesterolemia, autosomal dominant, type B. Last evaluated: 2026-01-27. Review status: criteria provided, single submitter. Criteria: Invitae Variant Classification Sherloc (09022015). Collection method: clinical testing. Allele origin: germline.

GeneDx
Classification: Uncertain significance. Last evaluated: 2025-04-18. Review status: criteria provided, single submitter. Criteria: GeneDx Variant Classification Process June 2021. Collection method: clinical testing. Allele origin: germline. Affected: yes.
Comment: In silico analysis indicates that this missense variant does not alter protein structure/function; Has not been previously published as pathogenic or benign to our knowledge

Ambry Genetics
Classification: Likely benign for Cardiovascular phenotype. Last evaluated: 2022-06-22. Review status: criteria provided, single submitter. Criteria: Ambry Variant Classification Scheme 2023. Collection method: clinical testing. Allele origin: germline.

NM_000384.3(APOB):c.3415G>A (p.Ala1139Thr)

Gene: APOB (apolipoprotein B; minus strand). Cytogenetic location: 2p24.1.
Variant type: single nucleotide variant.
Coding change: c.3415G>A on transcript NM_000384.3 (MANE Select); coding-DNA position 3415, G replaced by A.
Protein change: p.Ala1139Thr; replaces alanine 1139 with threonine.
Molecular consequence: missense variant.
Genome position (GRCh38, 1-based): chr2:21,015,463, C>T on the plus strand (G>A on the coding strand, the complement: APOB is on the minus strand). VCF-style: chr2-21015463-C-T. GRCh37 (hg19) VCF-style: chr2-21238335-C-T.
Other names: short protein forms A1139T.
Identifiers: ClinVar variation 630322 (VCV000630322.10), dbSNP rs778822926, ClinGen allele CA058782.